The following is an entry in ClinVar:

ClinVar aggregate classification (germline): Uncertain significance. Review status: criteria provided, multiple submitters, no conflicts (2 of 4 stars). 8 submissions from 8 submitters: Uncertain significance (8). Last evaluated 2026-07-07.

Conditions:
Cardiovascular phenotype. Identifiers: MedGen CN230736.
Cardiomyopathy (CMYO). Also called: Cardiomyopathies. Identifiers: Orphanet 167848, MedGen C0878544, MONDO:0004994, HP:0001638. Inheritance: Various modes of inheritance.
Dilated cardiomyopathy 1FF (CMD1FF). Identifiers: Orphanet 154, MedGen C2750091, MONDO:0013211, OMIM 613286.
Hypertrophic cardiomyopathy. Also called: HYPERTROPHIC MYOCARDIOPATHY. Identifiers: Orphanet 217569, MedGen C0007194, MeSH D002312, MONDO:0005045, HP:0001639.

Allele frequency attached by ClinVar (database versions not stated): ExAC 0.00001; gnomAD exomes 0.00001 and 0.00002; TOPMed 0.00002; gnomAD 0.00004.
gnomAD v4.1: 21 of 1,614,010 alleles (0.0013%); highest among the groups gnomAD compares: African/African-American, 0.0067%; no homozygotes.

Submissions (8):

Medgenome Labs Ltd
Classification: Uncertain significance for Dilated cardiomyopathy 1FF. Last evaluated: 2026-07-07. Review status: criteria provided, single submitter. Criteria: ACMG Guidelines, 2015. Collection method: clinical testing. Allele origin: germline. Affected: yes.

Women's Health and Genetics/Laboratory Corporation of America, LabCorp
Classification: Uncertain significance. Last evaluated: 2026-05-04. Review status: criteria provided, single submitter. Criteria: LabCorp Variant Classification Summary - May 2015. Collection method: clinical testing. Allele origin: germline.
Comment: Variant summary: TNNI3 c.293G>A (p.Arg98Gln) results in a conservative amino acid change in the encoded protein sequence. Algorithms developed to predict the effect of missense changes on protein structure and function are either unavailable or do not agree on the potential impact of this missense change. The variant allele was found at a frequency of 1.6e-05 in 249402 control chromosomes (gnomAD). The available data on variant occurrences in the general population are insufficient to allow any conclusion about variant significance. c.293G>A has been observed in individuals affected with Cardiomyopathy or Unexplained cardiac arrest (e.g. Rani_2012, Grondin_2022). These reports do not provide unequivocal conclusions about association of the variant with Cardiomyopathy. To our knowledge, no experimental evidence demonstrating an impact on protein function has been reported. The following publications have been ascertained in the context of this evaluation (PMID: 22876777, 35352813). ClinVar contains an entry for this variant (Variation ID: 449314). Based on the evidence outlined above, the variant was classified as uncertain significance.

Ambry Genetics
Classification: Uncertain significance for Cardiovascular phenotype. Last evaluated: 2025-07-23. Review status: criteria provided, single submitter. Criteria: Ambry Variant Classification Scheme 2023. Collection method: clinical testing. Allele origin: germline.
Comment: The p.R98Q variant (also known as c.293G>A), located in coding exon 6 of the TNNI3 gene, results from a G to A substitution at nucleotide position 293. The arginine at codon 98 is replaced by glutamine, an amino acid with highly similar properties. This variant has been detected in an individual with hypertrophic obstructive cardiomyopathy (Rani DS et al. BMC Med Genet, 2012 Aug;13:69). This amino acid position is well conserved in available vertebrate species. In addition, the in silico prediction for this alteration is inconclusive. Based on the available evidence, the clinical significance of this variant remains unclear.

Color Diagnostics, LLC DBA Color Health
Classification: Uncertain significance for Cardiomyopathy. Last evaluated: 2025-07-01. Review status: criteria provided, single submitter. Criteria: ACMG Guidelines, 2015. Collection method: clinical testing. Allele origin: germline.
Comment: This missense variant replaces arginine with glutamine at codon 98 of the TNNI3 protein. Computational prediction is inconclusive regarding the impact of this variant on protein structure and function. To our knowledge, functional studies have not been reported for this variant. This variant has been reported in an individual affected with severe obstructive hypertrophic cardiomyopathy and family history of sudden cardiac death (PMID: 22876777). This variant has been identified in 6/280814 chromosomes in the general population by the Genome Aggregation Database (gnomAD). The available evidence is insufficient to determine the role of this variant in disease conclusively. Therefore, this variant is classified as a Variant of Uncertain Significance.

Labcorp Genetics (formerly Invitae), Labcorp
Classification: Uncertain significance for Hypertrophic cardiomyopathy. Last evaluated: 2025-06-24. Review status: criteria provided, single submitter. Criteria: Invitae Variant Classification Sherloc (09022015). Collection method: clinical testing. Allele origin: germline.
Comment: This sequence change replaces arginine, which is basic and polar, with glutamine, which is neutral and polar, at codon 98 of the TNNI3 protein (p.Arg98Gln). This variant is present in population databases (rs747522089, gnomAD 0.01%). This missense change has been observed in individual(s) with features of TNNI3-related conditions and/or hypertrophic cardiomyopathy (PMID: 22876777, 35352813). ClinVar contains an entry for this variant (Variation ID: 449314). An algorithm developed to predict the effect of missense changes on protein structure and function (PolyPhen-2) suggests that this variant is likely to be tolerated. In summary, the available evidence is currently insufficient to determine the role of this variant in disease. Therefore, it has been classified as a Variant of Uncertain Significance.

All of Us Research Program, National Institutes of Health
Classification: Uncertain significance for Hypertrophic cardiomyopathy. Last evaluated: 2024-09-23. Review status: criteria provided, single submitter. Criteria: ACMG Guidelines, 2015. Collection method: clinical testing. Allele origin: germline. Inheritance: Autosomal dominant inheritance. Observed: 4 variant alleles, 4 heterozygotes.
Comment: This missense variant replaces arginine with glutamine at codon 98 of the TNNI3 protein. Computational prediction is inconclusive regarding the impact of this variant on protein structure and function (internally defined REVEL score threshold 0.5 < inconclusive < 0.7, PMID: 27666373). To our knowledge, functional studies have not been reported for this variant. This variant has been reported in an individual affected with severe obstructive hypertrophic cardiomyopathy and family history of sudden cardiac death (PMID: 22876777). This variant has been identified in 6/280814 chromosomes in the general population by the Genome Aggregation Database (gnomAD). The available evidence is insufficient to determine the role of this variant in disease conclusively. Therefore, this variant is classified as a Variant of Uncertain Significance.

This study involves interpretation of variants in research participants for the purpose of population health screening. Participant phenotype was not available at the time of variant classification. Additional details can be found in publication PMID: 35346344, PMCID: PMC8962531

GeneDx
Classification: Uncertain significance. Last evaluated: 2024-01-02. Review status: criteria provided, single submitter. Criteria: GeneDx Variant Classification Process June 2021. Collection method: clinical testing. Allele origin: germline. Affected: yes.
Comment: Identified in a patient with HCM in published literature (PMID: 22876777); In silico analysis supports that this missense variant does not alter protein structure/function; This variant is associated with the following publications: (PMID: 27840609, 23967088, 37787257, 35352813, 22876777)

Blueprint Genetics
Classification: Uncertain significance. Last evaluated: 2017-10-11. Review status: criteria provided, single submitter. Criteria: ACMG Guidelines, 2015. Collection method: clinical testing. Allele origin: germline.

Literature cited by the submitters: PubMed 35352813 (cited by Women's Health and Genetics/Laboratory Corporation of America, LabCorp and Labcorp Genetics (formerly Invitae), Labcorp); PubMed 22876777 (cited by 5 submitters).

NM_000363.5(TNNI3):c.293G>A (p.Arg98Gln)

Gene: TNNI3 (troponin I3, cardiac type; minus strand). Cytogenetic location: 19q13.42.
Variant type: single nucleotide variant.
Coding change: c.293G>A on transcript NM_000363.5 (MANE Select); coding-DNA position 293, G replaced by A.
Protein change: p.Arg98Gln; replaces arginine 98 with glutamine.
Molecular consequence: missense variant.
Genome position (GRCh38, 1-based): chr19:55,154,820, C>T on the plus strand (G>A on the coding strand, the complement: TNNI3 is on the minus strand). VCF-style: chr19-55154820-C-T. GRCh37 (hg19) VCF-style: chr19-55666188-C-T.
Other names: c.293G>A (LRG_432t1); short protein forms R98Q.
Identifiers: ClinVar variation 449314 (VCV000449314.19), dbSNP rs747522089, ClinGen allele CA051127.